The following is an entry in ClinVar:

NM_006914.4(RORB):c.43G>A (p.Asp15Asn)

Gene: RORB (RAR related orphan receptor B; plus strand). Cytogenetic location: 9q21.13.
Variant type: single nucleotide variant.
Coding change: c.43G>A on transcript NM_006914.4 (MANE Select); coding-DNA position 43, G replaced by A.
Protein change: p.Asp15Asn; replaces aspartic acid 15 with asparagine.
Molecular consequence: missense variant.
Genome position (GRCh38, 1-based): chr9:74,630,317, G>A. VCF-style: chr9-74630317-G-A. GRCh37 (hg19) VCF-style: chr9-77245233-G-A.
Other names: c.76G>A, p.Asp26Asn (NM_001365023.1); short protein forms D15N, D26N.
Identifiers: ClinVar variation 1722048 (VCV001722048.5), dbSNP rs2489556728, ClinGen allele CA373771944.

ClinVar aggregate classification (germline): Uncertain significance (1 of 4 stars; one submission).

Submission:

Labcorp Genetics (formerly Invitae), Labcorp
Classification: Uncertain significance. Last evaluated: 2022-10-22. Review status: criteria provided, single submitter. Criteria: Invitae Variant Classification Sherloc (09022015). Collection method: clinical testing. Allele origin: germline.
Comment: In summary, the available evidence is currently insufficient to determine the role of this variant in disease. Therefore, it has been classified as a Variant of Uncertain Significance. Algorithms developed to predict the effect of missense changes on protein structure and function are either unavailable or do not agree on the potential impact of this missense change (SIFT: "Deleterious"; PolyPhen-2: "Probably Damaging"; Align-GVGD: "Class C15"). This variant has not been reported in the literature in individuals affected with RORB-related conditions. This variant is not present in population databases (gnomAD no frequency). This sequence change replaces aspartic acid, which is acidic and polar, with asparagine, which is neutral and polar, at codon 15 of the RORB protein (p.Asp15Asn).